The following is an entry in ClinVar:

ClinVar aggregate classification (germline): Uncertain significance (1 of 4 stars; one submission).

Conditions:
Aarskog syndrome (AAS). Also called: Aarskog Scott syndrome; Aarskog disease; Aarskog-Scott syndrome, X-linked; FGD1-Related Faciogenital Dysplasia (Aarskog-Scott Syndrome); FGDY. Identifiers: Orphanet 915, MedGen C0175701, MONDO:0010589, OMIM 305400.

Submission:

Dasa
Classification: Uncertain significance for Aarskog-Scott syndrome, X-linked. Last evaluated: 2025-05-17. Review status: criteria provided, single submitter. Criteria: DASA Assertion Criteria. Collection method: clinical testing. Allele origin: germline.
Comment: NM_004463.3(FGD1):c.2177C>T (p.Thr726Met) is a missense variant that results in the substitution of threonine with methionine. This variant is rare in population databases. Computational prediction algorithms are consistent with a benign effect. The currently available literature and clinical evidence are not sufficient to establish a definitive association between this variant and the reported condition. Therefore, this variant is classified as a variant of uncertain significance.

NM_004463.3(FGD1):c.2177C>T (p.Thr726Met)

Gene: FGD1 (FYVE, RhoGEF and PH domain containing 1; minus strand). Cytogenetic location: Xp11.22.
Variant type: single nucleotide variant.
Coding change: c.2177C>T on transcript NM_004463.3 (MANE Select); coding-DNA position 2177, C replaced by T.
Protein change: p.Thr726Met; replaces threonine 726 with methionine.
Molecular consequence: missense variant.
Genome position (GRCh38, 1-based): chrX:54,449,240, G>A on the plus strand (C>T on the coding strand, the complement: FGD1 is on the minus strand). VCF-style: chrX-54449240-G-A. GRCh37 (hg19) VCF-style: chrX-54475673-G-A.
Other names: short protein forms T726M.
Identifiers: ClinVar variation 4882392 (VCV004882392.2).
Genomic context (GRCh38, chrX:54,449,240, plus strand): 5'-ATAGAATTGAAGGGCTCCTGGCAGCGCATGCACATGGTGACTTCCTTTTCCCGGATGGGC[G>A]TAGGTGCCCGCTTCCCAAGATCCACGTTCTGTAGGGAGGGCCAGGTCTCAGGTCAGAGAC-3'
Protein context (NP_004454.2, residues 716-736): PNVDLGKRAP[Thr726Met]PIREKEVTMC